The following is an entry in ClinVar:

NM_001378030.1(CCDC78):c.196G>A (p.Val66Ile)

Gene: CCDC78 (coiled-coil domain containing 78; minus strand). Cytogenetic location: 16p13.3.
Variant type: single nucleotide variant.
Coding change: c.196G>A on transcript NM_001378030.1 (MANE Select); coding-DNA position 196, G replaced by A.
Protein change: p.Val66Ile; replaces valine 66 with isoleucine.
Molecular consequence: missense variant. On other transcripts: 5 prime UTR variant (1), non-coding transcript variant (5).
Genome position (GRCh38, 1-based): chr16:725,865, C>T on the plus strand (G>A on the coding strand, the complement: CCDC78 is on the minus strand). VCF-style: chr16-725865-C-T. GRCh37 (hg19) VCF-style: chr16-775865-C-T.
Other names: c.196G>A, p.Val66Ile (NM_001031737.3, NM_001378031.1); c.-90G>A (NM_001378033.1); short protein forms V66I.
Identifiers: ClinVar variation 938788 (VCV000938788.13), dbSNP rs145112523, ClinGen allele CA7789709.

ClinVar aggregate classification (germline): Conflicting classifications of pathogenicity. Review status: criteria provided, conflicting classifications (1 of 4 stars). 3 submissions from 3 submitters: Uncertain significance (1); Likely benign (1). 1 of the submissions does not count toward it. Last evaluated 2026-01-22.

Conditions:
Inborn genetic diseases. Identifiers: MedGen C0950123, MeSH D030342.
Congenital myopathy with internal nuclei and atypical cores. Also called: Myopathy, centronuclear, 4. Identifiers: Orphanet 319160, MedGen C4707232, MONDO:0013890, OMIM 614807.

Allele frequency attached by ClinVar (database versions not stated): gnomAD exomes 0.00005 and 0.00009; ExAC 0.00012; 1000 Genomes Project 30x 0.00016; 1000 Genomes Project 0.00020; ESP Exome Variant Server 0.00054; TOPMed 0.00060; gnomAD 0.00062 and 0.00066.

Submissions (3):

Labcorp Genetics (formerly Invitae), Labcorp
Classification: Likely benign for Congenital myopathy with internal nuclei and atypical cores. Last evaluated: 2026-01-22. Review status: criteria provided, single submitter. Criteria: Invitae Variant Classification Sherloc (09022015). Collection method: clinical testing. Allele origin: germline.

Ambry Genetics
Classification: Uncertain significance for Inborn genetic diseases. Last evaluated: 2022-11-01. Review status: criteria provided, single submitter. Criteria: Ambry Variant Classification Scheme 2023. Collection method: clinical testing. Allele origin: germline.

Department of Pathology and Laboratory Medicine, Sinai Health System
Classification: Uncertain significance. Review status: no assertion criteria provided. Collection method: clinical testing. Allele origin: unknown. Affected: yes. Study: The Canadian Open Genetics Repository (COGR). Not counted in ClinVar's aggregate classification.
Comment: The CCDC78 p.Val66Ile variant was not identified in the literature or the ClinVar or Cosmic. The variant was identified in dbSNP (ID: rs145112523), LOVD 3.0. and in control databases in 41 of 275260 chromosomes at a frequency of 0.000149 (Genome Aggregation Database Feb 27, 2017) and was observed in the African population in 41 of 23952 chromosomes (freq: 0.001712), while the variant was not observed in the Latino, Ashkenazi Jewish, East Asian, European (Finnish), European (non-Finnish), Other and South Asian populations. The variant occurs outside of the splicing consensus sequence and in silico or computational prediction software programs (SpliceSiteFinder, MaxEntScan, NNSPLICE, GeneSplicer) do not predict a difference in splicing. The p.Val66 residue is conserved in mammals but not other organisms and computational analyses (PolyPhen-2, SIFT, AlignGVGD, BLOSUM, MutationTaster) provide inconsistent predictions regarding the impact to the protein; this information is not very predictive of pathogenicity. In summary, based on the above information the clinical significance of this variant cannot be determined with certainty at this time. This variant is classified as a variant of uncertain significance.